The following is an entry in ClinVar:

ClinVar aggregate classification (germline): Uncertain significance (1 of 4 stars; one submission).

Conditions:
Neurodevelopmental disorder. Identifiers: MedGen C1535926, MeSH D065886, MONDO:0700092.

gnomAD v4.1: 3 of 1,614,080 alleles (0.00019%); highest among the groups gnomAD compares: Non-Finnish European, 0.00025%; no homozygotes.

Submission:

Broad Center for Mendelian Genomics, Broad Institute of MIT and Harvard
Classification: Uncertain significance for Neurodevelopmental disorder. Last evaluated: 2026-03-02. Review status: criteria provided, single submitter. Criteria: ACMG Guidelines, 2015. Collection method: research. Allele origin: germline. Inheritance: Autosomal recessive inheritance.
Comment: Trio exome analysis revealed that this variant was in trans with the other variant of uncertain significance. The p.Glu2246Gly variant in KALRN has not been previously reported in the literature in individuals with neurodevelopmental disorders, and was absent from large population studies. Computational prediction tools and conservation analyses do not provide strong support for or against an impact to the protein. The number of missense variants reported in KALRN in the general population is lower than expected, suggesting there is little benign variation in this gene and slightly increasing the possibility that a missense variant in this gene may not be tolerated. While variants in the KALRN gene have been reported in individuals with neurodevelopmental disorders, this association has not been definitively established. In summary, given the limited information about this gene-disease relationship, the significance of the p.Glu2246Gly variant is uncertain.

NM_001388419.1(KALRN):c.6737A>G (p.Glu2246Gly)

Gene: KALRN (kalirin RhoGEF kinase; plus strand). Cytogenetic location: 3q21.2.
Variant type: single nucleotide variant.
Coding change: c.6737A>G on transcript NM_001388419.1 (MANE Select); coding-DNA position 6737, A replaced by G.
Protein change: p.Glu2246Gly; replaces glutamic acid 2246 with glycine.
Molecular consequence: missense variant.
Genome position (GRCh38, 1-based): chr3:124,671,693, A>G. VCF-style: chr3-124671693-A-G. GRCh37 (hg19) VCF-style: chr3-124390540-A-G.
Other names: NM_001388419.1:c.6737A>G; c.6734A>G, p.Glu2245Gly (NM_001024660.5); c.6731A>G, p.Glu2244Gly (NM_001322988.2); c.1643A>G, p.Glu548Gly (NM_001322993.2, NM_001322995.2, NM_001322996.2 and 1 more transcripts); c.1670A>G, p.Glu557Gly (NM_001322994.2); c.1640A>G, p.Glu547Gly (NM_001322997.2); c.1547A>G, p.Glu516Gly (NM_001322998.2, NM_001323000.2); c.1544A>G, p.Glu515Gly (NM_001322999.2, NM_001323001.2); and 1 more; short protein forms E1604G, E2244G, E2245G, E2246G, E515G, E516G, E547G, E548G.
Identifiers: ClinVar variation 4819480 (VCV004819480.1).
Genomic context (GRCh38, chr3:124,671,693, plus strand): 5'-GAGTAACCACCTGCTCTTATCCCACAGCACTGCAATCGCCCATTGAGTATCAACGGAAAG[A>G]AAGGAGCACAGCTGTGATGAGGTCTCAACCTGCCAGGCTTCCCCAAGCCAGCCCCAGGCC-3'
Protein context (NP_001375348.1, residues 2236-2256): LQSPIEYQRK[Glu2246Gly]RSTAVMRSQP